The following is an entry in ClinVar:

ClinVar aggregate classification (germline): Likely pathogenic (1 of 4 stars; one submission).

Conditions:
Hereditary cancer-predisposing syndrome. Also called: Tumor predisposition; Hereditary neoplastic syndrome; Hereditary Cancer Syndrome; Neoplastic Syndromes, Hereditary. Identifiers: Orphanet 140162, MedGen C0027672, MeSH D009386, MONDO:0015356.

Submission:

Ambry Genetics
Classification: Likely pathogenic for Hereditary cancer-predisposing syndrome. Last evaluated: 2025-04-18. Review status: criteria provided, single submitter. Criteria: Ambry Variant Classification Scheme 2023. Collection method: clinical testing. Allele origin: germline.
Comment: The c.2464_2466+4delTTAGTAA variant results from a deletion of seven nucleotides between positions c.2464 and c.2466+4 and involves the canonical splice donor site after coding exon 15 of the ATM gene. This variant is considered to be rare based on population cohorts in the Genome Aggregation Database (gnomAD).The canonical splice donor site is highly conserved in available vertebrate species. In silico splice site analysis predicts that this alteration will weaken the native splice donor site. RNA studies have demonstrated that this alteration results in abnormal splicing in the set of samples tested (Ambry internal data). Alterations that disrupt the canonical splice site are expected to cause aberrant splicing, resulting in an abnormal protein or a transcript that is subject to nonsense-mediated mRNA decay. As such, this alteration is classified as likely pathogenic.

NM_000051.4(ATM):c.2464_2466+4del

Gene: ATM (ATM serine/threonine kinase; plus strand). Cytogenetic location: 11q22.3.
Variant type: Deletion.
Coding change: c.2464_2466+4del on transcript NM_000051.4 (MANE Select); coding-DNA position 2464 through 4 bases into the intron after coding-DNA position 2466, 7 bases deleted (TTAGTAA; older notation c.2464_2466+4delTTAGTAA).
Molecular consequence: splice donor variant.
Genome position (GRCh38, 1-based): chr11:108,259,073-108,259,079, TTAGTAA deleted. VCF-style (leftmost placement, unchanged base first): chr11-108259072-TTTAGTAA-T. GRCh37 (hg19) VCF-style: chr11-108129799-TTTAGTAA-T.
Other names: c.2464_2466+4del (NM_001351834.2).
Identifiers: ClinVar variation 3966299 (VCV003966299.1).